The following is an entry in ClinVar:

ClinVar aggregate classification (germline): Uncertain significance. Review status: criteria provided, multiple submitters, no conflicts (2 of 4 stars). 2 submissions from 2 submitters: Uncertain significance (2). Last evaluated 2025-06-16.

Conditions:
Inborn genetic diseases. Identifiers: MedGen C0950123, MeSH D030342.

gnomAD v4.1: 6 of 1,613,836 alleles (0.00037%); highest among the groups gnomAD compares: Non-Finnish European, 0.00051%; no homozygotes.

Submissions (2):

Ambry Genetics
Classification: Uncertain significance for Inborn genetic diseases. Last evaluated: 2025-06-16. Review status: criteria provided, single submitter. Criteria: Ambry Variant Classification Scheme 2023. Collection method: clinical testing. Allele origin: germline.

Labcorp Genetics (formerly Invitae), Labcorp
Classification: Uncertain significance. Last evaluated: 2021-10-10. Review status: criteria provided, single submitter. Criteria: Invitae Variant Classification Sherloc (09022015). Collection method: clinical testing. Allele origin: germline.
Comment: Algorithms developed to predict the effect of missense changes on protein structure and function are either unavailable or do not agree on the potential impact of this missense change (SIFT: "Tolerated"; PolyPhen-2: "Possibly Damaging"; Align-GVGD: "Class C0"). This variant has not been reported in the literature in individuals affected with FBLN5-related conditions. This variant is not present in population databases (ExAC no frequency). This sequence change replaces arginine with proline at codon 359 of the FBLN5 protein (p.Arg359Pro). The arginine residue is highly conserved and there is a moderate physicochemical difference between arginine and proline. In summary, the available evidence is currently insufficient to determine the role of this variant in disease. Therefore, it has been classified as a Variant of Uncertain Significance.

NM_006329.4(FBLN5):c.1076G>C (p.Arg359Pro)

Gene: FBLN5 (fibulin 5; minus strand). Cytogenetic location: 14q32.12.
Variant type: single nucleotide variant.
Coding change: c.1076G>C on transcript NM_006329.4 (MANE Select); coding-DNA position 1076, G replaced by C.
Protein change: p.Arg359Pro; replaces arginine 359 with proline.
Molecular consequence: missense variant.
Genome position (GRCh38, 1-based): chr14:91,877,596, C>G on the plus strand (G>C on the coding strand, the complement: FBLN5 is on the minus strand). VCF-style: chr14-91877596-C-G. GRCh37 (hg19) VCF-style: chr14-92343940-C-G.
Other names: c.1199G>C, p.Arg400Pro (NM_001384158.1); c.1127G>C, p.Arg376Pro (NM_001384159.1); c.1076G>C, p.Arg359Pro (NM_001384160.1); c.908G>C, p.Arg303Pro (NM_001384161.1, NM_001384162.1); c.1076G>C (NM_006329.3); short protein forms R303P, R359P, R376P, R400P.
Identifiers: ClinVar variation 1420051 (VCV001420051.7), dbSNP rs768049734, ClinGen allele CA265594134.